The following is an entry in ClinVar:

ClinVar aggregate classification (germline): Uncertain significance (1 of 4 stars; one submission).

Submission:

Women's Health and Genetics/Laboratory Corporation of America, LabCorp
Classification: Uncertain significance. Last evaluated: 2025-01-21. Review status: criteria provided, single submitter. Criteria: LabCorp Variant Classification Summary - May 2015. Collection method: clinical testing. Allele origin: germline.
Comment: Variant summary: IDS c.854A>G (p.Tyr285Cys) results in a non-conservative amino acid change located in the iduronate-2-sulfatase (IPR035874) of the encoded protein sequence. Five of five in-silico tools predict a damaging effect of the variant on protein function. The variant was absent in 183356 control chromosomes. The available data on variant occurrences in the general population are insufficient to allow any conclusion about variant significance. c.854A>G has been reported in the literature in individuals affected with Mucopolysaccharidosis Type II (Hunter Syndrome) (Burton_2023). These report(s) do not provide unequivocal conclusions about association of the variant with Mucopolysaccharidosis Type II (Hunter Syndrome). To our knowledge, no experimental evidence demonstrating an impact on protein function has been reported. No submitters have cited clinical-significance assessments for this variant to ClinVar. Based on the evidence outlined above, the variant was classified as uncertain significance.

Literature cited by the submitters: PubMed 36907694.

NM_000202.8(IDS):c.854A>G (p.Tyr285Cys)

Genes: IDS (iduronate 2-sulfatase; minus strand), LOC106050102 (IDS recombination region; plus strand). Cytogenetic location: Xq28.
Variant type: single nucleotide variant.
Coding change: c.854A>G on transcript NM_000202.8 (MANE Select); coding-DNA position 854, A replaced by G.
Protein change: p.Tyr285Cys; replaces tyrosine 285 with cysteine.
Molecular consequence: missense variant. On other transcripts: non-coding transcript variant (1).
Genome position (GRCh38, 1-based): chrX:149,496,371, T>C on the plus strand (A>G on the coding strand, the complement: IDS is on the minus strand). VCF-style: chrX-149496371-T-C. GRCh37 (hg19) VCF-style: chrX-148577902-T-C.
Other names: c.584A>G, p.Tyr195Cys (NM_001166550.4); c.854A>G, p.Tyr285Cys (NM_006123.5); short protein forms Y195C, Y285C.
Identifiers: ClinVar variation 3769501 (VCV003769501.2).